The following is an entry in ClinVar:

ClinVar aggregate classification (germline): Uncertain significance. Review status: criteria provided, multiple submitters, no conflicts (2 of 4 stars). 2 submissions from 2 submitters: Uncertain significance (2). Last evaluated 2025-06-12.

Conditions:
Hereditary cancer-predisposing syndrome. Also called: Neoplastic Syndromes, Hereditary; Hereditary Cancer Syndrome; Hereditary neoplastic syndrome; Tumor predisposition. Identifiers: Orphanet 140162, MedGen C0027672, MeSH D009386, MONDO:0015356.
Gorlin syndrome. Also called: Nevoid Basal Cell Carcinoma Syndrome; Basal cell nevus syndrome. Identifiers: Orphanet 377, MedGen C0004779, MONDO:0007187.
Medulloblastoma (MDB). Also called: Medulloblastoma, somatic; MEDULLOBLASTOMA PREDISPOSITION SYNDROME. Identifiers: Orphanet 616, MedGen C0025149, MeSH D008527, MONDO:0007959, OMIM 155255, HP:0002885.

Allele frequency attached by ClinVar (database versions not stated): gnomAD exomes below 0.00001; ExAC 0.00001; gnomAD 0.00001.
gnomAD v4.1: 3 of 1,614,080 alleles (0.00019%); highest among the groups gnomAD compares: Non-Finnish European, 0.00025%; no homozygotes.

Submissions (2):

Ambry Genetics
Classification: Uncertain significance for Hereditary cancer-predisposing syndrome. Last evaluated: 2025-06-12. Review status: criteria provided, single submitter. Criteria: Ambry Variant Classification Scheme 2023. Collection method: clinical testing. Allele origin: germline.
Comment: The p.S463G variant (also known as c.1387A>G), located in coding exon 12 of the SUFU gene, results from an A to G substitution at nucleotide position 1387. The serine at codon 463 is replaced by glycine, an amino acid with similar properties. This amino acid position is conserved. In addition, this alteration is predicted to be tolerated by in silico analysis. Based on the available evidence, the clinical significance of this variant remains unclear.

Labcorp Genetics (formerly Invitae), Labcorp
Classification: Uncertain significance for Gorlin syndrome; Medulloblastoma. Last evaluated: 2023-07-07. Review status: criteria provided, single submitter. Criteria: Invitae Variant Classification Sherloc (09022015). Collection method: clinical testing. Allele origin: germline.
Comment: This variant has not been reported in the literature in individuals affected with SUFU-related conditions. This variant is present in population databases (rs747617835, gnomAD 0.0009%). This sequence change replaces serine, which is neutral and polar, with glycine, which is neutral and non-polar, at codon 463 of the SUFU protein (p.Ser463Gly). ClinVar contains an entry for this variant (Variation ID: 2192994). Advanced modeling of protein sequence and biophysical properties (such as structural, functional, and spatial information, amino acid conservation, physicochemical variation, residue mobility, and thermodynamic stability) performed at Invitae indicates that this missense variant is not expected to disrupt SUFU protein function. In summary, the available evidence is currently insufficient to determine the role of this variant in disease. Therefore, it has been classified as a Variant of Uncertain Significance.

NM_016169.4(SUFU):c.1387A>G (p.Ser463Gly)

Gene: SUFU (SUFU negative regulator of hedgehog signaling; plus strand). Cytogenetic location: 10q24.32.
Variant type: single nucleotide variant.
Coding change: c.1387A>G on transcript NM_016169.4 (MANE Select); coding-DNA position 1387, A replaced by G.
Protein change: p.Ser463Gly; replaces serine 463 with glycine.
Molecular consequence: missense variant.
Genome position (GRCh38, 1-based): chr10:102,630,087, A>G. VCF-style: chr10-102630087-A-G. GRCh37 (hg19) VCF-style: chr10-104389844-A-G.
Other names: short protein forms S463G.
Identifiers: ClinVar variation 2192994 (VCV002192994.5), dbSNP rs747617835, ClinGen allele CA5668001.